The following is an entry in ClinVar:

NM_001165963.4(SCN1A):c.244C>T (p.Pro82Ser)

Gene: SCN1A (sodium voltage-gated channel alpha subunit 1; minus strand). Cytogenetic location: 2q24.3.
Variant type: single nucleotide variant.
Coding change: c.244C>T on transcript NM_001165963.4 (MANE Select); coding-DNA position 244, C replaced by T.
Protein change: p.Pro82Ser; replaces proline 82 with serine.
Molecular consequence: missense variant. On other transcripts: 5 prime UTR variant (1), non-coding transcript variant (1).
Genome position (GRCh38, 1-based): chr2:166,073,378, G>A on the plus strand (C>T on the coding strand, the complement: SCN1A is on the minus strand). VCF-style: chr2-166073378-G-A. GRCh37 (hg19) VCF-style: chr2-166929888-G-A.
Other names: c.244C>T, p.Pro82Ser (NM_001165964.3, NM_001202435.3, NM_001353948.2 and 10 more transcripts); c.-2182C>T (NM_001353961.2); short protein forms P82S.
Identifiers: ClinVar variation 2178954 (VCV002178954.5), dbSNP rs2468363881, ClinGen allele CA349242675.

ClinVar aggregate classification (germline): Uncertain significance. Review status: criteria provided, multiple submitters, no conflicts (2 of 4 stars). 2 submissions from 2 submitters: Uncertain significance (2). Last evaluated 2025-10-31.

Conditions:
Early-infantile DEE. Also called: Early infantile epileptic encephalopathy with suppression bursts; Ohtahara syndrome; Early infantile epileptic encephalopathy. Identifiers: Orphanet 1934, MedGen C0393706, MONDO:0800491.
SCN1A-related disorder. Also called: SCN1A-related conditions; SCN1A-related condition; SCN1A-related disorders.

gnomAD v4.1: 3 of 1,613,906 alleles (0.00019%); highest among the groups gnomAD compares: South Asian, 0.0022%; no homozygotes.

Submissions (2):

3billion
Classification: Uncertain significance for SCN1A-related disorder. Last evaluated: 2025-10-31. Review status: criteria provided, single submitter. Criteria: ACMG Guidelines, 2015. Collection method: clinical testing. Allele origin: germline. Affected: yes.
Comment: The variant is observed at an extremely low frequency in the gnomAD v4.1.0 dataset (total allele frequency: <0.001%). Predicted Consequence/Location: Missense variant In silico tool predictions suggest damaging effect of the variant on gene or gene product [REVEL: 0.76 (>=0.6, sensitivity 0.68 and specificity 0.92); 3Cnet: 0.99 (> 0.75, sensitivity 0.96 and precision 0.92)]. A different missense change at the same codon (p.Pro82Leu) has been reported to be associated with SCN1A-related disorder (ClinVar ID: VCV001391311). However the evidence of pathogenicity is insufficient at this time. Therefore, this variant is classified as VUS according to the recommendation of ACMG/AMP guideline.

Labcorp Genetics (formerly Invitae), Labcorp
Classification: Uncertain significance for Early-infantile DEE. Last evaluated: 2025-04-09. Review status: criteria provided, single submitter. Criteria: Invitae Variant Classification Sherloc (09022015). Collection method: clinical testing. Allele origin: germline.
Comment: This sequence change replaces proline, which is neutral and non-polar, with serine, which is neutral and polar, at codon 82 of the SCN1A protein (p.Pro82Ser). This variant is not present in population databases (gnomAD no frequency). This variant has not been reported in the literature in individuals affected with SCN1A-related conditions. ClinVar contains an entry for this variant (Variation ID: 2178954). Invitae Evidence Modeling of protein sequence and biophysical properties (such as structural, functional, and spatial information, amino acid conservation, physicochemical variation, residue mobility, and thermodynamic stability) indicates that this missense variant is expected to disrupt SCN1A protein function with a positive predictive value of 95%. In summary, the available evidence is currently insufficient to determine the role of this variant in disease. Therefore, it has been classified as a Variant of Uncertain Significance.